The following is an entry in ClinVar:

NM_030957.4(ADAMTS10):c.2051G>A (p.Arg684Gln)

Gene: ADAMTS10 (ADAM metallopeptidase with thrombospondin type 1 motif 10; minus strand). Cytogenetic location: 19p13.2.
Variant type: single nucleotide variant.
Coding change: c.2051G>A on transcript NM_030957.4 (MANE Select); coding-DNA position 2051, G replaced by A.
Protein change: p.Arg684Gln; replaces arginine 684 with glutamine.
Molecular consequence: missense variant.
Genome position (GRCh38, 1-based): chr19:8,589,349, C>T on the plus strand (G>A on the coding strand, the complement: ADAMTS10 is on the minus strand). VCF-style: chr19-8589349-C-T. GRCh37 (hg19) VCF-style: chr19-8654233-C-T.
Other names: c.512G>A, p.Arg171Gln (NM_001282352.2); short protein forms R171Q, R684Q.
Identifiers: ClinVar variation 1438060 (VCV001438060.6), dbSNP rs372858576, ClinGen allele CA9160239.

ClinVar aggregate classification (germline): Uncertain significance. Review status: criteria provided, multiple submitters, no conflicts (2 of 4 stars). 3 submissions from 3 submitters: Uncertain significance (3). Last evaluated 2024-11-06.

Allele frequency attached by ClinVar (database versions not stated): gnomAD exomes 0.00002 and 0.00005; TOPMed 0.00003; ESP Exome Variant Server 0.00008; ExAC 0.00011.
gnomAD v4.1: 30 of 1,612,258 alleles (0.0019%); highest among the groups gnomAD compares: Non-Finnish European, 0.0023%; no homozygotes.

Submissions (3):

Labcorp Genetics (formerly Invitae), Labcorp
Classification: Uncertain significance. Last evaluated: 2024-11-06. Review status: criteria provided, single submitter. Criteria: Invitae Variant Classification Sherloc (09022015). Collection method: clinical testing. Allele origin: germline.
Comment: This sequence change replaces arginine, which is basic and polar, with glutamine, which is neutral and polar, at codon 684 of the ADAMTS10 protein (p.Arg684Gln). This variant is present in population databases (rs372858576, gnomAD 0.01%). This variant has not been reported in the literature in individuals affected with ADAMTS10-related conditions. ClinVar contains an entry for this variant (Variation ID: 1438060). An algorithm developed to predict the effect of missense changes on protein structure and function (PolyPhen-2) suggests that this variant is likely to be disruptive. In summary, the available evidence is currently insufficient to determine the role of this variant in disease. Therefore, it has been classified as a Variant of Uncertain Significance.

GeneDx
Classification: Uncertain significance. Last evaluated: 2022-02-18. Review status: criteria provided, single submitter. Criteria: GeneDx Variant Classification Process June 2021. Collection method: clinical testing. Allele origin: germline. Affected: yes.
Comment: In silico analysis supports that this missense variant does not alter protein structure/function; Has not been previously published as pathogenic or benign to our knowledge

Breakthrough Genomics
Classification: Uncertain significance. Review status: criteria provided, single submitter. Criteria: ACMG Guidelines, 2015. Collection method: not provided. Allele origin: germline. Inheritance: Autosomal recessive inheritance. Affected: yes.